The following is an entry in ClinVar:

NC_000001.11:g.47416279_47416517del

Genes: FOXE3 (forkhead box E3; plus strand), LINC01389 (long independently transcribed non-coding RNA 1389; minus strand). Cytogenetic location: 1p33.
Variant type: Deletion.
Genome position: GRCh38: chr1:47,416,279-47,416,517. GRCh37 (hg19): chr1:47,881,951-47,882,189.
Identifiers: ClinVar variation 1525207 (VCV001525207.8), dbSNP rs2124040836, ClinGen allele CA2573132432.

ClinVar aggregate classification (germline): Uncertain significance (1 of 4 stars; one submission).

Conditions:
Anterior segment dysgenesis. Also called: Ocular anterior segment dysgenesis. Identifiers: Orphanet 88632, MedGen C1862839, MONDO:0019503, HP:0007700.
Congenital primary aphakia. Also called: ANTERIOR SEGMENT DYSGENESIS 2; Anterior segment dysgenesis 2, multiple subtypes. Identifiers: Orphanet 83461, MedGen C1853230, MONDO:0012456, OMIM 610256.

Submission:

Labcorp Genetics (formerly Invitae), Labcorp
Classification: Uncertain significance for Anterior segment dysgenesis; Congenital primary aphakia. Last evaluated: 2019-01-21. Review status: criteria provided, single submitter. Criteria: Invitae Variant Classification Sherloc (09022015). Collection method: clinical testing. Allele origin: germline.
Comment: In summary, the available evidence is currently insufficient to determine the role of this variant in disease. Therefore, it has been classified as a Variant of Uncertain Significance. Experimental studies and prediction algorithms are not available for this variant, and the functional significance of the affected amino acid(s) is currently unknown. This variant has not been reported in the literature in individuals with FOXE3-related conditions. The frequency data for this variant in the population databases is considered unreliable, as metrics indicate insufficient coverage at this position in the ExAC database. This sequence change deletes 202 nucleotides from exon 1 of the FOXE3 mRNA (c.-37_202del), affecting the initiator methionine. While it is expected to result in an absent or disrupted protein product, alternate in-frame methionines downstream could potentially rescue the translation initiation. The next in-frame methionine is located at codon 82.